The following is an entry in ClinVar:

NC_000012.11:g.(?_21623128)_(21652504_?)dup

Genes: PYROXD1 (pyridine nucleotide-disulphide oxidoreductase domain 1; plus strand), RECQL (RecQ like helicase; minus strand). Cytogenetic location: 12p12.1.
Variant type: Duplication.
Identifiers: ClinVar variation 2424570 (VCV002424570.3).

ClinVar aggregate classification (germline): Uncertain significance (1 of 4 stars; one submission).

Submission:

Labcorp Genetics (formerly Invitae), Labcorp
Classification: Uncertain significance. Last evaluated: 2021-12-14. Review status: criteria provided, single submitter. Criteria: Invitae Variant Classification Sherloc (09022015). Collection method: clinical testing. Allele origin: germline.
Comment: A copy number gain of the genomic region encompassing the full coding sequence of the RECQL gene has been identified. The boundaries of this event are unknown as they extend beyond the assayed region for this gene and therefore may encompass additional genes. As the precise location of this event is unknown, it may be in tandem or it may be located elsewhere in the genome. This variant has not been reported in the literature in individuals affected with RECQL-related conditions. Experimental studies and prediction algorithms are not available or were not evaluated, and the functional significance of this variant is currently unknown. In summary, the available evidence is currently insufficient to determine the role of this variant in disease. Therefore, it has been classified as a Variant of Uncertain Significance.